The following is an entry in ClinVar:

NM_000138.5(FBN1):c.1667_1677del (p.Val556fs)

Gene: FBN1 (fibrillin 1; minus strand). Cytogenetic location: 15q21.1.
Variant type: Deletion.
Coding change: c.1667_1677del on transcript NM_000138.5 (MANE Select); coding-DNA positions 1667 to 1677, 11 bases deleted (TGTGTAATGCG).
Protein change: p.Val556fs; shifts the reading frame from valine 556.
Molecular consequence: frameshift variant.
Genome position (GRCh38, 1-based): chr15:48,510,081-48,510,091, CGCATTACACA deleted on the plus strand (TGTGTAATGCG on the coding strand, the reverse complement: FBN1 is on the minus strand); deleting any 11 consecutive bases within chr15:48,510,081-48,510,095 gives the same sequence; the c. name uses the placement nearest the transcript's 3' end. VCF-style (leftmost placement, unchanged base first): chr15-48510080-CCGCATTACACA-C. GRCh37 (hg19) VCF-style: chr15-48802277-CCGCATTACACA-C.
Other names: c.1663_1673delTGCGTGTGTAA, p.Val556Glyfs (NM_001406716.1); short protein forms V556fs.
Identifiers: ClinVar variation 2112086 (VCV002112086.4), dbSNP rs2505606046, ClinGen allele CA2580089641.

ClinVar aggregate classification (germline): Pathogenic (1 of 4 stars; one submission).

Conditions:
Familial thoracic aortic aneurysm and aortic dissection (TAAD). Also called: Thoracic aortic aneurysms and dissections. Identifiers: Orphanet 91387, MedGen C4707243, MONDO:0019625.
Marfan syndrome (MFS). Also called: MARFAN SYNDROME, TYPE I; Marfan syndrome type 1; Marfan's syndrome; Marfan syndrome, classic; FBN1-Related Marfan Syndrome. Identifiers: Orphanet 284963, Orphanet 558, MedGen C0024796, MONDO:0007947, OMIM 154700.

Submission:

Labcorp Genetics (formerly Invitae), Labcorp
Classification: Pathogenic for Marfan syndrome; Familial thoracic aortic aneurysm and aortic dissection. Last evaluated: 2022-03-14. Review status: criteria provided, single submitter. Criteria: Invitae Variant Classification Sherloc (09022015). Collection method: clinical testing. Allele origin: germline.
Comment: For these reasons, this variant has been classified as Pathogenic. This variant has not been reported in the literature in individuals affected with FBN1-related conditions. This variant is not present in population databases (gnomAD no frequency). This sequence change creates a premature translational stop signal (p.Val556Glyfs*12) in the FBN1 gene. It is expected to result in an absent or disrupted protein product. Loss-of-function variants in FBN1 are known to be pathogenic (PMID: 17657824, 19293843).

Literature cited by the submitters: PubMed 17657824; PubMed 19293843.